The following is an entry in ClinVar:

NM_000441.2(SLC26A4):c.918+1dup

Gene: SLC26A4 (solute carrier family 26 member 4; plus strand). Cytogenetic location: 7q22.3.
Variant type: Duplication.
Coding change: c.918+1dup on transcript NM_000441.2 (MANE Select); the canonical splice donor site of the intron after coding-DNA position 918, one base duplicated (G; older notation c.918+1dupG).
Molecular consequence: splice donor variant.
Genome position (GRCh38, 1-based): chr7:107,683,355, G duplicated; the last of 2 consecutive G bases (chr7:107,683,354-107,683,355); duplicating either gives the same sequence. VCF-style (leftmost placement, unchanged base first): chr7-107683353-T-TG. GRCh37 (hg19) VCF-style: chr7-107323798-T-TG.
Identifiers: ClinVar variation 3601724 (VCV003601724.1).
Genomic context (GRCh38, chr7:107,683,353, plus strand): 5'-AGGAATTAAATGATCGGTTTAGACACAAAATCCCAGTCCCTATTCCTATAGAAGTAATTG[T>TG]GGTAAGTAGAATATGTAGTTAGAAAGTTCAGCATTATTTGGTTGACAAACAAGGAATTAT-3'

ClinVar aggregate classification (germline): Likely pathogenic (1 of 4 stars; one submission).

Conditions:
Autosomal recessive nonsyndromic hearing loss 4 (DFNB4). Also called: Deafness, autosomal recessive 4; FOXI1-Related Pendred Syndrome; KCNJ10-Related Pendred Syndrome; DEAFNESS, AUTOSOMAL RECESSIVE 4, WITH ENLARGED VESTIBULAR AQUEDUCT, DIGENIC; NEUROSENSORY NONSYNDROMIC RECESSIVE DEAFNESS 4; Nonsyndromic enlarged vestibular aqueduct (NSEVA). Identifiers: Orphanet 90636, MedGen C3538946, MONDO:0010933, OMIM 600791.

Submission:

Institute of Rare Diseases, West China Hospital, Sichuan University
Classification: Likely pathogenic for Autosomal recessive nonsyndromic hearing loss 4. Last evaluated: 2025-01-09. Review status: criteria provided, single submitter. Criteria: ClinGen HL ACMG Specifications v1. Collection method: research. Allele origin: germline. Affected: yes.
Comment: PVS1;PM2_Supporting